The following is an entry in ClinVar:

NM_001122630.2(CDKN1C):c.154T>G (p.Tyr52Asp)

Gene: CDKN1C (cyclin dependent kinase inhibitor 1C; minus strand). Cytogenetic location: 11p15.4.
Variant type: single nucleotide variant.
Coding change: c.154T>G on transcript NM_001122630.2 (MANE Select); coding-DNA position 154, T replaced by G.
Protein change: p.Tyr52Asp; replaces tyrosine 52 with aspartic acid.
Molecular consequence: missense variant.
Genome position (GRCh38, 1-based): chr11:2,885,303, A>C on the plus strand (T>G on the coding strand, the complement: CDKN1C is on the minus strand). VCF-style: chr11-2885303-A-C. GRCh37 (hg19) VCF-style: chr11-2906533-A-C.
Other names: c.187T>G, p.Tyr63Asp (NM_000076.2, NM_001362474.2); c.154T>G, p.Tyr52Asp (NM_001122631.2, NM_001362475.2); short protein forms Y52D, Y63D.
Identifiers: ClinVar variation 2839095 (VCV002839095.3), dbSNP rs778520280, ClinGen allele CA5822227.

ClinVar aggregate classification (germline): Uncertain significance (1 of 4 stars; one submission).

Conditions:
Beckwith-Wiedemann syndrome (BWS). Also called: Exomphalos macroglossia gigantism syndrome; EMG SYNDROME. Identifiers: Orphanet 116, MedGen C0004903, MONDO:0007534, OMIM 130650.

Allele frequency attached by ClinVar (database versions not stated): ExAC 0.00003.

Submission:

Labcorp Genetics (formerly Invitae), Labcorp
Classification: Uncertain significance for Beckwith-Wiedemann syndrome. Last evaluated: 2023-02-27. Review status: criteria provided, single submitter. Criteria: Invitae Variant Classification Sherloc (09022015). Collection method: clinical testing. Allele origin: germline.
Comment: In summary, the available evidence is currently insufficient to determine the role of this variant in disease. Therefore, it has been classified as a Variant of Uncertain Significance. This variant disrupts the p.Tyr63 amino acid residue in CDKN1C. Other variant(s) that disrupt this residue have been observed in individuals with CDKN1C-related conditions (PMID: 22140035, 27436784), which suggests that this may be a clinically significant amino acid residue. Advanced modeling of protein sequence and biophysical properties (such as structural, functional, and spatial information, amino acid conservation, physicochemical variation, residue mobility, and thermodynamic stability) performed at Invitae indicates that this missense variant is not expected to disrupt CDKN1C protein function. This variant has not been reported in the literature in individuals affected with CDKN1C-related conditions. This variant is not present in population databases (gnomAD no frequency). This sequence change replaces tyrosine, which is neutral and polar, with aspartic acid, which is acidic and polar, at codon 63 of the CDKN1C protein (p.Tyr63Asp).

Literature cited by the submitters: PubMed 22140035; PubMed 27436784.